The following is an entry in ClinVar:

ClinVar aggregate classification (germline): Pathogenic/Likely pathogenic. Review status: criteria provided, multiple submitters, no conflicts (2 of 4 stars). 10 submissions from 8 submitters: Pathogenic (4); Likely pathogenic (1). 5 of the submissions do not count toward it. Last evaluated 2025-10-14.

Conditions:
ABCA4-related disorder. Also called: ABCA4-related disorders; ABCA4-related condition. Identifiers: MedGen CN239167.
Stargardt disease (FFM). Also called: Fundus flavimaculatus; Stargardt's disease. Identifiers: Orphanet 827, MedGen C0271093, MONDO:0019353.
Cone-rod dystrophy 3 (CORD3). Identifiers: Orphanet 1872, MedGen C1858806, MONDO:0011395, OMIM 604116.
Severe early-childhood-onset retinal dystrophy (STGD1). Also called: Stargardt macular dystrophy; Juvenile onset macular degeneration; Stargardt disease 1; MACULAR DYSTROPHY WITH FLECKS, TYPE 1; STGD. Identifiers: Orphanet 364055, Orphanet 827, MedGen C1855465, MeSH D000080362, MONDO:0009549, OMIM 248200.

Allele frequency attached by ClinVar (database versions not stated): ExAC 0.00001; TOPMed 0.00001; gnomAD exomes 0.00002 and 0.00001; gnomAD 0.00003.
gnomAD v4.1: 10 of 1,614,104 alleles (0.00062%); highest among the groups gnomAD compares: Admixed American, 0.0083%; no homozygotes.

Submissions (10):

PreventionGenetics, part of Exact Sciences
Classification: Pathogenic for ABCA4-related condition. Last evaluated: 2025-10-14. Review status: criteria provided, single submitter. Criteria: ACMG Guidelines, 2015. Collection method: clinical testing. Allele origin: germline.
Comment: The ABCA4 c.5819T>C variant is predicted to result in the amino acid substitution p.Leu1940Pro. This variant has been reported in the compound heterozygous state, homozygous state, or along with a second causative ABCA4 variant in individuals with Stargardt disease (for example, Supplementary Table 1, Chacon-Camacho et al. 2024. PubMed ID: 39162841; Supplementary Table 1, Cideciyan et al. 2009. PubMed ID: 19074458; Zolnikova et al. 2017. PubMed ID: 27939946; Diñeiro et al. 2020. PubMed ID: 32483926). This variant has segregated with disease in a large extended family with ABCA4-related disease (Supplementary Table 1, Cideciyan et al. 2009. PubMed ID: 19074458). Functional studies reveal that this variant disrupts protein function and expression (Curtis. 2020. PubMed ID: 32845050). This variant is reported in 0.014% of alleles in individuals of Latino descent in gnomAD. This variant is interpreted as pathogenic.

Labcorp Genetics (formerly Invitae), Labcorp
Classification: Pathogenic. Last evaluated: 2025-09-10. Review status: criteria provided, single submitter. Criteria: Invitae Variant Classification Sherloc (09022015). Collection method: clinical testing. Allele origin: germline.
Comment: This sequence change replaces leucine, which is neutral and non-polar, with proline, which is neutral and non-polar, at codon 1940 of the ABCA4 protein (p.Leu1940Pro). This variant is present in population databases (rs61753033, gnomAD 0.01%). This missense change has been observed in individuals with Stargardt disease (PMID: 19074458, 29925512). It has also been observed to segregate with disease in related individuals. ClinVar contains an entry for this variant (Variation ID: 7911). Invitae Evidence Modeling of protein sequence and biophysical properties (such as structural, functional, and spatial information, amino acid conservation, physicochemical variation, residue mobility, and thermodynamic stability) indicates that this missense variant is expected to disrupt ABCA4 protein function with a positive predictive value of 95%. Experimental studies have shown that this missense change affects ABCA4 function (PMID: 32845050). For these reasons, this variant has been classified as Pathogenic.

3billion
Classification: Pathogenic for ABCA4-related disorder. Last evaluated: 2025-03-14. Review status: criteria provided, single submitter. Criteria: ACMG Guidelines, 2015. Collection method: clinical testing. Allele origin: germline. Affected: yes.
Comment: The variant is not observed in the gnomAD v4.1.0 dataset. Predicted Consequence/Location:Missense variant. In silico tool predictions suggest damaging effect of the variant on gene or gene product [REVEL: 0.97 (>=0.6, sensitivity 0.68 and specificity 0.92); 3Cnet: 0.98 (> 0.75, sensitivity 0.96 and precision 0.92)]. The same nucleotide change resulting in the same amino acid change has been previously reported as pathogenic/likely pathogenic with strong evidence (ClinVar ID: VCV001298331). Therefore, this variant is classified as Likely pathogenic according to the recommendation of ACMG/AMP guideline.

Blueprint Genetics
Classification: Pathogenic for ABCA4-related disorders. Last evaluated: 2022-07-19. Review status: criteria provided, single submitter. Criteria: ACMG Guidelines, 2015. Collection method: clinical testing. Allele origin: germline. Affected: yes. Observed: 4 variant alleles.

Laboratory for Molecular Medicine, Mass General Brigham Personalized Medicine
Classification: Likely pathogenic for Stargardt disease. Last evaluated: 2020-01-27. Review status: criteria provided, single submitter. Criteria: LMM Criteria. Collection method: clinical testing. Allele origin: germline. Inheritance: Autosomal recessive inheritance. Observed: 1 variant allele.
Comment: The p.Leu1940Pro variant in ABCA4 has been identified in at least 6 individuals with Stargardt disease or retinal dystrophy, 3 of whom were compound heterozygous with a second pathogenic variant and 1 was homozygous (Paloma 2001 PubMed: 11385708; Cideciyan 2009 PubMed: 19074458; Riera 2017 PubMed: 28181551; Zolnikova 2017 PubMed: 27939946; Fujinami 2019 PubMed: 29925512; Kitiratschky 2008 PMID: 18285826). In addition, this variant segregated in 3 affected family members from one family (Cideciyan 2009 PubMed: 19074458). This variant has been identified in 0.01% (5/35440) Latino chromosomes by gnomAD and is listed in ClinVar (allele ID: 22950). Computational prediction tools and conservation analysis suggest that this variant may impact the protein, though this information is not predictive enough to determine pathogenicity. In summary, this variant meets criteria to be classified as likely pathogenic for autosomal recessive Stargardt disease/retinal dystrophy. ACMG/AMP Criteria applied: PM3_Strong, PM2_Supporting, PP1, PP3, PS4_Supporting.

OMIM
Classification: Pathogenic for FUNDUS FLAVIMACULATUS. Last evaluated: 2008-07-01. Review status: no assertion criteria provided. Collection method: literature only. Allele origin: germline. Not counted in ClinVar's aggregate classification.

OMIM
Classification: Pathogenic for STARGARDT DISEASE 1. Last evaluated: 2008-07-01. Review status: no assertion criteria provided. Collection method: literature only. Allele origin: germline. Not counted in ClinVar's aggregate classification.

OMIM
Classification: Pathogenic for CONE-ROD DYSTROPHY 3. Last evaluated: 2008-07-01. Review status: no assertion criteria provided. Collection method: literature only. Allele origin: germline. Not counted in ClinVar's aggregate classification.

Ophthalmo-Genetics Lab, Instituto de Oftalmologia Conde de Valenciana
Classification: Pathogenic for Severe early-childhood-onset retinal dystrophy. Review status: no assertion criteria provided. Collection method: research. Allele origin: germline. Inheritance: Autosomal recessive inheritance. Affected: yes. Not counted in ClinVar's aggregate classification.

Retina International
No classification provided. Review status: no classification provided. Collection method: not provided. Allele origin: not provided. Not counted in ClinVar's aggregate classification.

Literature cited by the submitters: PubMed 19074458 (cited by 3 submitters); PubMed 29925512 (cited by Labcorp Genetics (formerly Invitae), Labcorp and Laboratory for Molecular Medicine, Mass General Brigham Personalized Medicine); PubMed 32845050 (cited by Labcorp Genetics (formerly Invitae), Labcorp); PubMed 27939946 (cited by 3billion and Laboratory for Molecular Medicine, Mass General Brigham Personalized Medicine); PubMed 28181551 (cited by 3billion and Laboratory for Molecular Medicine, Mass General Brigham Personalized Medicine); PubMed 11385708 (cited by 3 submitters); PubMed 18285826 (cited by Laboratory for Molecular Medicine, Mass General Brigham Personalized Medicine and OMIM).

NM_000350.3(ABCA4):c.5819T>C (p.Leu1940Pro)

Gene: ABCA4 (ATP binding cassette subfamily A member 4; minus strand). Cytogenetic location: 1p22.1.
Variant type: single nucleotide variant.
Coding change: c.5819T>C on transcript NM_000350.3 (MANE Select); coding-DNA position 5819, T replaced by C.
Protein change: p.Leu1940Pro; replaces leucine 1940 with proline.
Molecular consequence: missense variant.
Genome position (GRCh38, 1-based): chr1:94,008,767, A>G on the plus strand (T>C on the coding strand, the complement: ABCA4 is on the minus strand). VCF-style: chr1-94008767-A-G. GRCh37 (hg19) VCF-style: chr1-94474323-A-G.
Other names: c.5597T>C, p.Leu1866Pro (NM_001425324.1); short protein forms L1940P, L1866P.
Identifiers: ClinVar variation 7911 (VCV000007911.18), dbSNP rs61753033, ClinGen allele CA119145.